The following is an entry in ClinVar:

NM_001041.4(SI):c.1278+8T>G

Gene: SI (sucrase-isomaltase; minus strand). Cytogenetic location: 3q26.1.
Variant type: single nucleotide variant.
Coding change: c.1278+8T>G on transcript NM_001041.4 (MANE Select); 8 bases into the intron after coding-DNA position 1278, T replaced by G.
Molecular consequence: intron variant.
Genome position (GRCh38, 1-based): chr3:165,059,160, A>C on the plus strand (T>G on the coding strand, the complement: SI is on the minus strand). VCF-style: chr3-165059160-A-C. GRCh37 (hg19) VCF-style: chr3-164776948-A-C.
Other names: c.1278+8T>G (NM_001041.3).
Identifiers: ClinVar variation 1559947 (VCV001559947.11), dbSNP rs368886500, ClinGen allele CA2691130.

ClinVar aggregate classification (germline): Likely benign. Review status: criteria provided, multiple submitters, no conflicts (2 of 4 stars). 3 submissions from 3 submitters: Likely benign (2). 1 of the submissions does not count toward it. Last evaluated 2025-11-14.

Conditions:
Sucrase-isomaltase deficiency (CSID). Also called: Deficiency of isomaltase; Congenital sucrose isomaltose malabsorption; Sucrose isomaltose enzyme deficiency; SI DEFICIENCY. Identifiers: Orphanet 35122, MedGen C1283620, MONDO:0009114, OMIM 222900.
SI-related disorder. Also called: SI-related condition.

Allele frequency attached by ClinVar (database versions not stated): gnomAD exomes 0.00005 and 0.00012; ExAC 0.00015; ESP Exome Variant Server 0.00038; gnomAD 0.00040 and 0.00045; TOPMed 0.00043.
gnomAD v4.1: 132 of 1,612,360 alleles (0.0082%); highest among the groups gnomAD compares: African/African-American, 0.15%; 2 homozygotes.

Submissions (3):

Labcorp Genetics (formerly Invitae), Labcorp
Classification: Likely benign. Last evaluated: 2025-11-14. Review status: criteria provided, single submitter. Criteria: Invitae Variant Classification Sherloc (09022015). Collection method: clinical testing. Allele origin: germline.

Fulgent Genetics
Classification: Likely benign for Sucrase-isomaltase deficiency. Last evaluated: 2021-10-29. Review status: criteria provided, single submitter. Criteria: ACMG Guidelines, 2015. Collection method: clinical testing. Allele origin: unknown.

PreventionGenetics, part of Exact Sciences
Classification: Likely benign for SI-related condition. Last evaluated: 2024-02-14. Review status: no assertion criteria provided. Collection method: clinical testing. Allele origin: germline. Not counted in ClinVar's aggregate classification.
Comment: This variant is classified as likely benign based on ACMG/AMP sequence variant interpretation guidelines (Richards et al. 2015 PMID: 25741868, with internal and published modifications).